The following is an entry in ClinVar:

NM_000642.3(AGL):c.1777G>C (p.Val593Leu)

Gene: AGL (amylo-alpha-1,6-glucosidase and 4-alpha-glucanotransferase; plus strand). Cytogenetic location: 1p21.2.
Variant type: single nucleotide variant.
Coding change: c.1777G>C on transcript NM_000642.3 (MANE Select); coding-DNA position 1777, G replaced by C.
Protein change: p.Val593Leu; replaces valine 593 with leucine.
Molecular consequence: missense variant.
Genome position (GRCh38, 1-based): chr1:99,880,673, G>C. VCF-style: chr1-99880673-G-C. GRCh37 (hg19) VCF-style: chr1-100346229-G-C.
Other names: c.1777G>C (NM_000642.2); c.1777G>C, p.Val593Leu (NM_000028.3, NM_000643.3, NM_000644.3 and 2 more transcripts); c.1729G>C, p.Val577Leu (NM_000646.3); c.1576G>C, p.Val526Leu (NM_001425327.1); c.1573G>C, p.Val525Leu (NM_001425328.1, NM_001425329.1); c.1399G>C, p.Val467Leu (NM_001425332.1); short protein forms V577L, V593L, V467L, V525L, V526L.
Identifiers: ClinVar variation 1410540 (VCV001410540.9), dbSNP rs1312675872, ClinGen allele CA341316449.

ClinVar aggregate classification (germline): Uncertain significance. Review status: criteria provided, multiple submitters, no conflicts (2 of 4 stars). 2 submissions from 2 submitters: Uncertain significance (2). Last evaluated 2025-08-31.

Conditions:
Glycogen storage disease type III (GSD3). Also called: Cori disease; FORBES DISEASE. Identifiers: Orphanet 366, MedGen C0017922, MONDO:0009291, OMIM 232400.
Inborn genetic diseases. Identifiers: MedGen C0950123, MeSH D030342.

Submissions (2):

Ambry Genetics
Classification: Uncertain significance for Inborn genetic diseases. Last evaluated: 2025-08-31. Review status: criteria provided, single submitter. Criteria: Ambry Variant Classification Scheme 2023. Collection method: clinical testing. Allele origin: germline.

Labcorp Genetics (formerly Invitae), Labcorp
Classification: Uncertain significance for Glycogen storage disease type III. Last evaluated: 2022-07-25. Review status: criteria provided, single submitter. Criteria: Invitae Variant Classification Sherloc (09022015). Collection method: clinical testing. Allele origin: germline.
Comment: In summary, the available evidence is currently insufficient to determine the role of this variant in disease. Therefore, it has been classified as a Variant of Uncertain Significance. Algorithms developed to predict the effect of sequence changes on RNA splicing suggest that this variant may create or strengthen a splice site. Algorithms developed to predict the effect of missense changes on protein structure and function are either unavailable or do not agree on the potential impact of this missense change (SIFT: "Deleterious"; PolyPhen-2: "Possibly Damaging"; Align-GVGD: "Class C0"). ClinVar contains an entry for this variant (Variation ID: 1410540). This variant has not been reported in the literature in individuals affected with AGL-related conditions. This variant is not present in population databases (gnomAD no frequency). This sequence change replaces valine, which is neutral and non-polar, with leucine, which is neutral and non-polar, at codon 593 of the AGL protein (p.Val593Leu).